The following is an entry in ClinVar:

ClinVar aggregate classification (germline): Uncertain significance (1 of 4 stars; one submission).

Allele frequency attached by ClinVar (database versions not stated): gnomAD exomes below 0.00001; TOPMed below 0.00001; ExAC 0.00001; gnomAD 0.00001; 1000 Genomes Project 0.00020; 1000 Genomes Project 30x 0.00047.
gnomAD v4.1: 7 of 1,614,112 alleles (0.00043%); highest among the groups gnomAD compares: South Asian, 0.0033%; no homozygotes.

Submission:

Labcorp Genetics (formerly Invitae), Labcorp
Classification: Uncertain significance. Last evaluated: 2022-02-28. Review status: criteria provided, single submitter. Criteria: Invitae Variant Classification Sherloc (09022015). Collection method: clinical testing. Allele origin: germline.
Comment: This variant has not been reported in the literature in individuals affected with FERMT1-related conditions. In summary, the available evidence is currently insufficient to determine the role of this variant in disease. Therefore, it has been classified as a Variant of Uncertain Significance. Algorithms developed to predict the effect of missense changes on protein structure and function (SIFT, PolyPhen-2, Align-GVGD) all suggest that this variant is likely to be disruptive. This variant is present in population databases (rs558908354, gnomAD 0.01%). This sequence change replaces glycine, which is neutral and non-polar, with serine, which is neutral and polar, at codon 649 of the FERMT1 protein (p.Gly649Ser).

NM_017671.5(FERMT1):c.1945G>A (p.Gly649Ser)

Gene: FERMT1 (FERM domain containing kindlin 1; minus strand). Cytogenetic location: 20p12.3.
Variant type: single nucleotide variant.
Coding change: c.1945G>A on transcript NM_017671.5 (MANE Select); coding-DNA position 1945, G replaced by A.
Protein change: p.Gly649Ser; replaces glycine 649 with serine.
Molecular consequence: missense variant.
Genome position (GRCh38, 1-based): chr20:6,077,262, C>T on the plus strand (G>A on the coding strand, the complement: FERMT1 is on the minus strand). VCF-style: chr20-6077262-C-T. GRCh37 (hg19) VCF-style: chr20-6057909-C-T.
Other names: short protein forms G649S.
Identifiers: ClinVar variation 2104300 (VCV002104300.4), dbSNP rs558908354, ClinGen allele CA9757993.